The following is an entry in ClinVar:

ClinVar aggregate classification (germline): Uncertain significance (1 of 4 stars; one submission).

gnomAD v4.1: 1 of 1,609,124 alleles (0.000062%); highest among the groups gnomAD compares: Admixed American, 0.0017%; no homozygotes.

Submission:

Ambry Genetics
Classification: Uncertain significance. Last evaluated: 2022-01-02. Review status: criteria provided, single submitter. Criteria: Ambry Variant Classification Scheme 2023. Collection method: clinical testing. Allele origin: germline.
Comment: The p.D947G variant (also known as c.2840A>G), located in coding exon 16 of the PALLD gene, results from an A to G substitution at nucleotide position 2840. The aspartic acid at codon 947 is replaced by glycine, an amino acid with similar properties. This amino acid position is conserved. In addition, the in silico prediction for this alteration is inconclusive. Since supporting evidence is limited at this time, the clinical significance of this alteration remains unclear.

NM_001166108.2(PALLD):c.2891A>G (p.Asp964Gly)

Genes: CBR4 (carbonyl reductase 4; minus strand), PALLD (palladin, cytoskeletal associated protein; plus strand). Cytogenetic location: 4q32.3.
Variant type: single nucleotide variant.
Coding change: c.2891A>G on transcript NM_001166108.2 (MANE Select); coding-DNA position 2891, A replaced by G.
Protein change: p.Asp964Gly; replaces aspartic acid 964 with glycine.
Molecular consequence: missense variant.
Genome position (GRCh38, 1-based): chr4:168,921,574, A>G. VCF-style: chr4-168921574-A-G. GRCh37 (hg19) VCF-style: chr4-169842725-A-G.
Other names: c.1694A>G, p.Asp565Gly (NM_001166109.2); c.1379A>G, p.Asp460Gly (NM_001166110.2); c.719A>G, p.Asp240Gly (NM_001367567.1, NM_001367569.1); c.770A>G, p.Asp257Gly (NM_001367568.1, NM_001367570.1); c.2840A>G, p.Asp947Gly (NM_016081.4); short protein forms D964G, D460G, D257G, D565G, D240G, D947G.
Identifiers: ClinVar variation 1796711 (VCV001796711.2), dbSNP rs750112132, ClinGen allele CA358708499.
Genomic context (GRCh38, chr4:168,921,574, plus strand): 5'-GTATTTCTTTTATGATTTAGGTCAGTGGGTTACCAACCCCAGATCTAAGCTGGCAACTAG[A>G]TGGAAAGCCCGTACGCCCTGACAGTGCTCACAAGATGCTGGTGCGTGAGAACGGGGTGCA-3'
Protein context (NP_001159580.1, residues 954-974): LPTPDLSWQL[Asp964Gly]GKPVRPDSAH